The following is an entry in ClinVar:

NM_005027.4(PIK3R2):c.1599C>T (p.Ala533=)

Gene: PIK3R2 (phosphoinositide-3-kinase regulatory subunit 2; plus strand). Cytogenetic location: 19p13.11.
Variant type: single nucleotide variant.
Coding change: c.1599C>T on transcript NM_005027.4 (MANE Select); coding-DNA position 1599, C replaced by T.
Protein change: p.Ala533=; no amino-acid change (alanine 533 retained).
Molecular consequence: synonymous variant. On other transcripts: non-coding transcript variant (2).
Genome position (GRCh38, 1-based): chr19:18,167,169, C>T. VCF-style: chr19-18167169-C-T. GRCh37 (hg19) VCF-style: chr19-18277979-C-T.
Identifiers: ClinVar variation 4872652 (VCV004872652.2).

ClinVar aggregate classification (germline): Likely benign (1 of 4 stars; one submission).

gnomAD v4.1: 49 of 1,607,810 alleles (0.003%); highest among the groups gnomAD compares: South Asian, 0.043%; 1 homozygote.

Submission:

CeGaT Center for Human Genetics Tuebingen
Classification: Likely benign. Last evaluated: 2026-06-01. Review status: criteria provided, single submitter. Criteria: CeGaT Center For Human Genetics Tuebingen Variant Classification Criteria Version 2. Collection method: clinical testing. Allele origin: germline. Affected: yes. Observed: 1 variant allele.
Comment: PIK3R2: BP4, BP7